The following is an entry in ClinVar:

ClinVar aggregate classification (germline): Uncertain significance (1 of 4 stars; one submission).

Conditions:
Hypertrophic cardiomyopathy. Also called: HYPERTROPHIC MYOCARDIOPATHY. Identifiers: Orphanet 217569, MedGen C0007194, MeSH D002312, MONDO:0005045, HP:0001639.

gnomAD v4.1: 5 of 1,614,182 alleles (0.00031%); highest among the groups gnomAD compares: South Asian, 0.0022%; no homozygotes.

Submission:

Labcorp Genetics (formerly Invitae), Labcorp
Classification: Uncertain significance for Hypertrophic cardiomyopathy. Last evaluated: 2025-10-17. Review status: criteria provided, single submitter. Criteria: Invitae Variant Classification Sherloc (09022015). Collection method: clinical testing. Allele origin: germline.
Comment: This sequence change replaces alanine, which is neutral and non-polar, with serine, which is neutral and polar, at codon 1474 of the MYH7 protein (p.Ala1474Ser). This variant is present in population databases (rs529657543, gnomAD 0.003%). This variant has not been reported in the literature in individuals affected with MYH7-related conditions. Invitae Evidence Modeling of protein sequence and biophysical properties (such as structural, functional, and spatial information, amino acid conservation, physicochemical variation, residue mobility, and thermodynamic stability) indicates that this missense variant is not expected to disrupt MYH7 protein function with a negative predictive value of 95%. In summary, the available evidence is currently insufficient to determine the role of this variant in disease. Therefore, it has been classified as a Variant of Uncertain Significance.

NM_000257.4(MYH7):c.4420G>T (p.Ala1474Ser)

Genes: MHRT (myosin heavy chain associated RNA transcript; plus strand), MYH7 (myosin heavy chain 7; minus strand). Cytogenetic location: 14q11.2.
Variant type: single nucleotide variant.
Coding change: c.4420G>T on transcript NM_000257.4 (MANE Select); coding-DNA position 4420, G replaced by T.
Protein change: p.Ala1474Ser; replaces alanine 1474 with serine.
Molecular consequence: missense variant. On other transcripts: non-coding transcript variant (1).
Genome position (GRCh38, 1-based): chr14:23,417,252, C>A on the plus strand (G>T on the coding strand, the complement: MYH7 is on the minus strand). VCF-style: chr14-23417252-C-A. GRCh37 (hg19) VCF-style: chr14-23886461-C-A.
Other names: c.4420G>T, p.Ala1474Ser (NM_001407004.1); short protein forms A1474S.
Identifiers: ClinVar variation 4769862 (VCV004769862.1).